The following is an entry in ClinVar:

NM_001034853.2(RPGR):c.725C>T (p.Pro242Leu)

Gene: RPGR (retinitis pigmentosa GTPase regulator; minus strand). Cytogenetic location: Xp11.4.
Variant type: single nucleotide variant.
Coding change: c.725C>T on transcript NM_001034853.2 (MANE Select); coding-DNA position 725, C replaced by T.
Protein change: p.Pro242Leu; replaces proline 242 with leucine.
Molecular consequence: missense variant. On other transcripts: non-coding transcript variant (6).
Genome position (GRCh38, 1-based): chrX:38,310,668, G>A on the plus strand (C>T on the coding strand, the complement: RPGR is on the minus strand). VCF-style: chrX-38310668-G-A. GRCh37 (hg19) VCF-style: chrX-38169921-G-A.
Other names: c.725C>T, p.Pro242Leu (NM_000328.3, NM_001367246.1, NM_001367247.1 and 1 more transcripts); c.722C>T, p.Pro241Leu (NM_001367245.1, NM_001367249.1, NM_001367250.1); c.755C>T, p.Pro252Leu (NM_001367248.1); short protein forms P241L, P242L, P252L.
Identifiers: ClinVar variation 2197399 (VCV002197399.4), dbSNP rs773408909, ClinGen allele CA10385602.
Genomic context (GRCh38, chrX:38,310,668, plus strand): 5'-CACATACCCGTGAGAACCACAGTATGCTCTCCACCACAGGCTACTTGGATCACCTTCTCC[G>A]GAATTTCAGACACCAGCTGGGGTGTTCTGTGATTGCCCAGGAGCTGATTGGGAAGACCTA-3'
Protein context (NP_001030025.1, residues 232-252): HRTPQLVSEI[Pro242Leu]EKVIQVACGG

ClinVar aggregate classification (germline): Uncertain significance (1 of 4 stars; one submission).

Conditions:
Primary ciliary dyskinesia. Also called: Ciliary dyskinesia. Identifiers: Orphanet 244, MedGen C0008780, MONDO:0016575, HP:0012265.

Allele frequency attached by ClinVar (database versions not stated): ExAC 0.00002; gnomAD exomes 0.00002.
gnomAD v4.1: 20 of 1,211,104 alleles (0.0017%); highest among the groups gnomAD compares: Non-Finnish European, 0.002%; no homozygotes.

Submission:

Labcorp Genetics (formerly Invitae), Labcorp
Classification: Uncertain significance for Primary ciliary dyskinesia. Last evaluated: 2023-02-26. Review status: criteria provided, single submitter. Criteria: Invitae Variant Classification Sherloc (09022015). Collection method: clinical testing. Allele origin: germline.
Comment: In summary, the available evidence is currently insufficient to determine the role of this variant in disease. Therefore, it has been classified as a Variant of Uncertain Significance. Advanced modeling of protein sequence and biophysical properties (such as structural, functional, and spatial information, amino acid conservation, physicochemical variation, residue mobility, and thermodynamic stability) performed at Invitae indicates that this missense variant is not expected to disrupt RPGR protein function. ClinVar contains an entry for this variant (Variation ID: 2197399). This variant has not been reported in the literature in individuals affected with RPGR-related conditions. This variant is present in population databases (rs773408909, gnomAD 0.003%). This sequence change replaces proline, which is neutral and non-polar, with leucine, which is neutral and non-polar, at codon 242 of the RPGR protein (p.Pro242Leu).